The following is an entry in ClinVar:

NM_000548.5(TSC2):c.5236C>T (p.His1746Tyr)

Gene: TSC2 (TSC complex subunit 2; plus strand). Cytogenetic location: 16p13.3.
Variant type: single nucleotide variant.
Coding change: c.5236C>T on transcript NM_000548.5 (MANE Select); coding-DNA position 5236, C replaced by T.
Protein change: p.His1746Tyr; replaces histidine 1746 with tyrosine.
Molecular consequence: missense variant. On other transcripts: non-coding transcript variant (5).
Genome position (GRCh38, 1-based): chr16:2,088,302, C>T. VCF-style: chr16-2088302-C-T. GRCh37 (hg19) VCF-style: chr16-2138303-C-T.
Other names: c.5035C>T, p.His1679Tyr (NM_001077183.3); c.5167C>T, p.His1723Tyr (NM_001114382.3); c.4927C>T, p.His1643Tyr (NM_001318827.2); c.4891C>T, p.His1631Tyr (NM_001318829.2); c.4504C>T, p.His1502Tyr (NM_001318831.2); c.5068C>T, p.His1690Tyr (NM_001318832.2); c.5038C>T, p.His1680Tyr (NM_001363528.2); c.5104C>T, p.His1702Tyr (NM_001370404.1); and 27 more; short protein forms H1145Y, H1231Y, H1232Y, H1254Y, H1255Y, H1275Y, H1479Y, H1480Y.
Identifiers: ClinVar variation 3232189 (VCV003232189.1), dbSNP rs2151631784, ClinGen allele CA394314606.

ClinVar aggregate classification (germline): Uncertain significance (1 of 4 stars; one submission).

Conditions:
Hereditary cancer-predisposing syndrome. Also called: Neoplastic Syndromes, Hereditary; Tumor predisposition; Hereditary neoplastic syndrome; Hereditary Cancer Syndrome. Identifiers: Orphanet 140162, MedGen C0027672, MeSH D009386, MONDO:0015356.

gnomAD v4.1: 2 of 1,612,714 alleles (0.00012%); highest among the groups gnomAD compares: Non-Finnish European, 0.000085%; no homozygotes.

Submission:

Ambry Genetics
Classification: Uncertain significance for Hereditary cancer-predisposing syndrome. Last evaluated: 2024-02-22. Review status: criteria provided, single submitter. Criteria: Ambry Variant Classification Scheme 2023. Collection method: clinical testing. Allele origin: germline.
Comment: The p.H1746Y variant (also known as c.5236C>T), located in coding exon 40 of the TSC2 gene, results from a C to T substitution at nucleotide position 5236. The histidine at codon 1746 is replaced by tyrosine, an amino acid with similar properties. This amino acid position is highly conserved in available vertebrate species. In addition, this alteration is predicted to be deleterious by in silico analysis. Based on the available evidence, the clinical significance of this alteration remains unclear.